The following is an entry in ClinVar:

ClinVar aggregate classification (germline): Uncertain significance (1 of 4 stars; one submission).

Submission:

Labcorp Genetics (formerly Invitae), Labcorp
Classification: Uncertain significance. Last evaluated: 2022-05-04. Review status: criteria provided, single submitter. Criteria: Invitae Variant Classification Sherloc (09022015). Collection method: clinical testing. Allele origin: germline.
Comment: In summary, the available evidence is currently insufficient to determine the role of this variant in disease. Therefore, it has been classified as a Variant of Uncertain Significance. Experimental studies and prediction algorithms are not available or were not evaluated, and the functional significance of this variant is currently unknown. This variant has not been reported in the literature in individuals affected with ANKZF1-related conditions. This variant is not present in population databases (gnomAD no frequency). This sequence change creates a premature translational stop signal (p.Glu371Glyfs*7) in the ANKZF1 gene. It is expected to result in an absent or disrupted protein product. However, the current clinical and genetic evidence is not sufficient to establish whether loss-of-function variants in ANKZF1 cause disease.

NM_018089.3(ANKZF1):c.1112_1113del (p.Glu371fs)

Gene: ANKZF1 (ankyrin repeat and zinc finger peptidyl tRNA hydrolase 1; plus strand). Cytogenetic location: 2q35.
Variant type: Microsatellite.
Coding change: c.1112_1113del on transcript NM_018089.3 (MANE Select); coding-DNA positions 1112 to 1113, 2 bases deleted (AG; older notation c.1112_1113delAG).
Protein change: p.Glu371fs; shifts the reading frame from glutamic acid 371.
Molecular consequence: frameshift variant.
Genome position (GRCh38, 1-based): chr2:219,234,196-219,234,197, AG deleted; deleting any 2 consecutive bases within chr2:219,234,192-219,234,197 gives the same sequence; the c. name uses the placement nearest the transcript's 3' end. VCF-style (leftmost placement, unchanged base first): chr2-219234191-AAG-A. GRCh37 (hg19) VCF-style: chr2-220098913-AAG-A.
Other names: c.1112_1113del, p.Glu371fs (NM_001042410.2); c.482_483del, p.Glu161fs (NM_001282792.2); short protein forms E161fs, E371fs.
Identifiers: ClinVar variation 2133757 (VCV002133757.4), dbSNP rs1951134738, ClinGen allele CA1329123278.